The following is an entry in ClinVar:

ClinVar aggregate classification (germline): Conflicting classifications of pathogenicity. Review status: criteria provided, conflicting classifications (1 of 4 stars). 9 submissions from 9 submitters: Uncertain significance (2); Benign (1); Likely benign (5). 1 of the submissions does not count toward it. Last evaluated 2025-05-15.

Conditions:
SMAD4-related disorder. Also called: SMAD4-related condition; SMAD4-Related disorders.
Juvenile polyposis syndrome (JPS). Identifiers: Orphanet 2929, MedGen C0345893, MONDO:0017380, OMIM 174900.
Familial thoracic aortic aneurysm and aortic dissection (TAAD). Also called: Thoracic aortic aneurysms and dissections. Identifiers: Orphanet 91387, MedGen C4707243, MONDO:0019625.
Hereditary cancer-predisposing syndrome. Also called: Tumor predisposition; Neoplastic Syndromes, Hereditary; Hereditary neoplastic syndrome; Hereditary Cancer Syndrome. Identifiers: Orphanet 140162, MedGen C0027672, MeSH D009386, MONDO:0015356.
Juvenile polyposis/hereditary hemorrhagic telangiectasia syndrome (JPHT). Also called: Juvenile Polyposis Syndrome / Hereditary Hemorrhagic Telangiectasia (JPS/HHT); JP/HHT SYNDROME; JUVENILE POLYPOSIS WITH HEREDITARY HEMORRHAGIC TELANGIECTASIA; POLYPOSIS, GENERALIZED JUVENILE, WITH PULMONARY ARTERIOVENOUS MALFORMATION; TELANGIECTASIA, HEREDITARY HEMORRHAGIC, WITH JUVENILE POLYPOSIS COLI. Identifiers: Orphanet 2929, MedGen C1832942, MONDO:0008278, OMIM 175050.

Allele frequency attached by ClinVar (database versions not stated): ExAC 0.00001; gnomAD exomes 0.00001; gnomAD 0.00003; TOPMed 0.00003.
gnomAD v4.1: 8 of 1,609,026 alleles (0.0005%); highest among the groups gnomAD compares: African/African-American, 0.0093%; no homozygotes.

Submissions (9):

Labcorp Genetics (formerly Invitae), Labcorp
Classification: Likely benign for Juvenile polyposis syndrome. Last evaluated: 2025-05-15. Review status: criteria provided, single submitter. Criteria: Invitae Variant Classification Sherloc (09022015). Collection method: clinical testing. Allele origin: germline.

Quest Diagnostics Nichols Institute San Juan Capistrano
Classification: Likely benign. Last evaluated: 2025-03-28. Review status: criteria provided, single submitter. Criteria: Quest Diagnostics criteria. Collection method: clinical testing. Allele origin: unknown.

Myriad Genetics, Inc.
Classification: Likely benign for Juvenile polyposis/hereditary hemorrhagic telangiectasia syndrome. Last evaluated: 2025-03-20. Review status: criteria provided, single submitter. Criteria: Myriad Autosomal Dominant, Autosomal Recessive and X-Linked Classification Criteria (2023). Collection method: clinical testing. Allele origin: unknown.
Comment: This variant is considered likely benign. This variant is intronic and is not expected to impact mRNA splicing.

Color Diagnostics, LLC DBA Color Health
Classification: Likely benign for Hereditary cancer-predisposing syndrome. Last evaluated: 2024-07-24. Review status: criteria provided, single submitter. Criteria: ACMG Guidelines, 2015. Collection method: clinical testing. Allele origin: germline.

Ambry Genetics
Classification: Benign for Hereditary cancer-predisposing syndrome; Familial thoracic aortic aneurysm and aortic dissection. Last evaluated: 2022-12-13. Review status: criteria provided, single submitter. Criteria: Ambry Variant Classification Scheme 2023. Collection method: clinical testing. Allele origin: germline.

Women's Health and Genetics/Laboratory Corporation of America, LabCorp
Classification: Uncertain significance. Last evaluated: 2022-04-15. Review status: criteria provided, single submitter. Criteria: LabCorp Variant Classification Summary - May 2015. Collection method: clinical testing. Allele origin: germline.

Sema4
Classification: Uncertain significance for Hereditary cancer-predisposing syndrome. Last evaluated: 2021-09-10. Review status: criteria provided, single submitter. Criteria: Sema4 Curation Guidelines. Collection method: curation. Allele origin: germline.
Comment: The SMAD4 c.956-3T>C variant has not been reported in literature to our knowledge. This variant observed in 4/24964 chromosomes in the African/African American population according to the Genome Aggregation Database (PMID: 32461654). This variant has been reported in ClinVar (Variation ID 216605). In silico tools suggest that this variant may not impact normal splicing, though these predictions have not been confirmed by functional studies. The overall evidence is insufficient to meet ACMG/AMP criteria for classifying it as benign or pathogenic. In summary, the clinical significance of this variant is currently uncertain.

GeneDx
Classification: Likely benign. Last evaluated: 2018-12-31. Review status: criteria provided, single submitter. Criteria: GeneDx Variant Classification Process June 2021. Collection method: clinical testing. Allele origin: germline. Affected: yes.

PreventionGenetics, part of Exact Sciences
Classification: Likely benign for SMAD4-related condition. Last evaluated: 2024-06-25. Review status: no assertion criteria provided. Collection method: clinical testing. Allele origin: germline. Not counted in ClinVar's aggregate classification.
Comment: This variant is classified as likely benign based on ACMG/AMP sequence variant interpretation guidelines (Richards et al. 2015 PMID: 25741868, with internal and published modifications).

NM_005359.6(SMAD4):c.956-3T>C

Gene: SMAD4 (SMAD family member 4; plus strand). Cytogenetic location: 18q21.2.
Variant type: single nucleotide variant.
Coding change: c.956-3T>C on transcript NM_005359.6 (MANE Select); 3 bases into the intron before coding-DNA position 956, T replaced by C.
Molecular consequence: intron variant.
Genome position (GRCh38, 1-based): chr18:51,065,420, T>C. VCF-style: chr18-51065420-T-C. GRCh37 (hg19) VCF-style: chr18-48591790-T-C.
Identifiers: ClinVar variation 216605 (VCV000216605.26), dbSNP rs748283001, ClinGen allele CA337721.
Genomic context (GRCh38, chr18:51,065,420, plus strand): 5'-GTGCAAGTGAAAGCCTTATATCTTTCTCATGGGAGGATGTTCTTTCCCATTTATTTCCTA[T>C]AGCTCCTGAGTATTGGTGTTCCATTGCTTACTTTGAAATGGATGTTCAGGTAGGAGAGAC-3'